The following is an entry in ClinVar:

NM_000187.4(HGD):c.1188+1G>A

Gene: HGD (homogentisate 1,2-dioxygenase; minus strand). Cytogenetic location: 3q13.33.
Variant type: single nucleotide variant.
Coding change: c.1188+1G>A on transcript NM_000187.4 (MANE Select); the canonical splice donor site of the intron after coding-DNA position 1188, G replaced by A.
Molecular consequence: splice donor variant.
Genome position (GRCh38, 1-based): chr3:120,633,146, C>T on the plus strand (G>A on the coding strand, the complement: HGD is on the minus strand). VCF-style: chr3-120633146-C-T. GRCh37 (hg19) VCF-style: chr3-120351993-C-T.
Identifiers: ClinVar variation 1073765 (VCV001073765.12), dbSNP rs760206323, ClinGen allele CA2559951.

ClinVar aggregate classification (germline): Pathogenic. Review status: criteria provided, multiple submitters, no conflicts (2 of 4 stars). 3 submissions from 3 submitters: Pathogenic (2). 1 of the submissions does not count toward it. Last evaluated 2025-02-24.

Conditions:
Alkaptonuria (AKU). Also called: Alkaptonuric ochronosis; HOMOGENTISIC ACID OXIDASE DEFICIENCY; Alcaptonuria; Homogentisic acidura. Identifiers: Orphanet 56, MedGen C0002066, MONDO:0008753, OMIM 203500.

Allele frequency attached by ClinVar (database versions not stated): gnomAD 0.00001.
gnomAD v4.1: 4 of 1,613,924 alleles (0.00025%); highest among the groups gnomAD compares: Admixed American, 0.0033%; no homozygotes.

Submissions (3):

Myriad Genetics, Inc.
Classification: Pathogenic for Alkaptonuria. Last evaluated: 2025-02-24. Review status: criteria provided, single submitter. Criteria: Myriad Autosomal Dominant, Autosomal Recessive and X-Linked Classification Criteria (2023). Collection method: clinical testing. Allele origin: unknown.
Comment: NM_000187.3(HGD):c.1188+1G>A is a variant in a canonical splice site classified as pathogenic in the context of alkaptonuria. c.1188+1G>A has been observed in a case with relevant disease (PMID: 33746036). Relevant functional assessments of this variant are not available in the literature. c.1188+1G>A has been observed in referenced population frequency databases. In summary, NM_000187.3(HGD):c.1188+1G>A is a variant in a canonical splice site in a gene where loss of function is a known mechanism of disease, is predicted to disrupt protein function, and has been observed more frequently in cases with the relevant disease than in healthy populations. Please note: this variant was assessed in the context of healthy population screening.

Labcorp Genetics (formerly Invitae), Labcorp
Classification: Pathogenic for Alkaptonuria. Last evaluated: 2022-11-28. Review status: criteria provided, single submitter. Criteria: Invitae Variant Classification Sherloc (09022015). Collection method: clinical testing. Allele origin: germline.
Comment: This variant is present in population databases (rs760206323, gnomAD 0.003%). This sequence change affects a donor splice site in intron 13 of the HGD gene. While this variant is not anticipated to result in nonsense mediated decay, it likely alters RNA splicing and results in a disrupted protein product. Disruption of this splice site has been observed in individual(s) with alkaptonuria (PMID: 11001939). For these reasons, this variant has been classified as Pathogenic. This variant disrupts a region of the HGD protein in which other variant(s) (p.Lys431Hisfs*11) have been determined to be pathogenic (PMID: 23430897, 25681086; Invitae). This suggests that this is a clinically significant region of the protein, and that variants that disrupt it are likely to be disease-causing. Variants that disrupt the consensus splice site are a relatively common cause of aberrant splicing (PMID: 17576681, 9536098). Algorithms developed to predict the effect of sequence changes on RNA splicing suggest that this variant may disrupt the consensus splice site. ClinVar contains an entry for this variant (Variation ID: 1073765).

Department Of Human Genetics, Institute Of Clinical And Translational Research, Biomedical Research Center, Slovak Academy Of Sciences
Classification: Pathogenic for Alkaptonuria. Review status: no assertion criteria provided. Collection method: research. Allele origin: germline. Inheritance: Autosomal recessive inheritance. Affected: yes. Observed: 2 variant alleles. Not counted in ClinVar's aggregate classification.
Comment: The variant was originally described in AKU patient in PMID:33746036. It has been submitted to the HGD gene mutation database (DB-ID: AKU_00241).

Literature cited by the submitters: PubMed 33746036 (cited by Myriad Genetics, Inc. and Department Of Human Genetics, Institute Of Clinical And Translational Research, Biomedical Research Center, Slovak Academy Of Sciences); PubMed 11001939 (cited by Labcorp Genetics (formerly Invitae), Labcorp); PubMed 23430897 (cited by Labcorp Genetics (formerly Invitae), Labcorp); PubMed 25681086 (cited by Labcorp Genetics (formerly Invitae), Labcorp); PubMed 17576681 (cited by Labcorp Genetics (formerly Invitae), Labcorp); PubMed 9536098 (cited by Labcorp Genetics (formerly Invitae), Labcorp).